The following is an entry in ClinVar:

ClinVar aggregate classification (germline): Uncertain significance. Review status: criteria provided, multiple submitters, no conflicts (2 of 4 stars). 4 submissions from 4 submitters: Uncertain significance (3). 1 of the submissions does not count toward it. Last evaluated 2022-10-13.

Conditions:
CFTR-related disorder (CFTR-RD). Also called: CFTR-related disorders; CFTR-related condition. Identifiers: MedGen C5924204, MONDO:7770004.
Cystic fibrosis (CF). Also called: MUCOVISCIDOSIS. Identifiers: Orphanet 586, MedGen C0010674, MONDO:0009061, OMIM 219700. Disease mechanism: loss of function.

Allele frequency attached by ClinVar (database versions not stated): gnomAD exomes below 0.00001 and 0.00001; gnomAD 0.00001; TOPMed 0.00002; ESP Exome Variant Server 0.00015; ExAC 0.00001.
gnomAD v4.1: 3 of 1,613,328 alleles (0.00019%); highest among the groups gnomAD compares: African/African-American, 0.004%; no homozygotes.

Submissions (4):

Labcorp Genetics (formerly Invitae), Labcorp
Classification: Uncertain significance for Cystic fibrosis. Last evaluated: 2022-10-13. Review status: criteria provided, single submitter. Criteria: Invitae Variant Classification Sherloc (09022015). Collection method: clinical testing. Allele origin: germline.
Comment: In summary, the available evidence is currently insufficient to determine the role of this variant in disease. Therefore, it has been classified as a Variant of Uncertain Significance. Advanced modeling of protein sequence and biophysical properties (such as structural, functional, and spatial information, amino acid conservation, physicochemical variation, residue mobility, and thermodynamic stability) performed at Invitae indicates that this missense variant is not expected to disrupt CFTR protein function. ClinVar contains an entry for this variant (Variation ID: 1011536). This missense change has been observed in individual(s) with clinical features of cystic fibrosis (PMID: 23810505). This variant is present in population databases (rs144441835, gnomAD 0.01%). This sequence change replaces valine, which is neutral and non-polar, with methionine, which is neutral and non-polar, at codon 1022 of the CFTR protein (p.Val1022Met).

PreventionGenetics, part of Exact Sciences
Classification: Uncertain significance for CFTR-related condition. Last evaluated: 2022-08-26. Review status: criteria provided, single submitter. Criteria: ACMG Guidelines, 2015. Collection method: clinical testing. Allele origin: germline.
Comment: The CFTR c.3064G>A variant is predicted to result in the amino acid substitution p.Val1022Met. This variant, along with the p.Phe508del variant, was detected through newborn screening in an individual whose diagnostic status is unknown (Prach et al. 2013 Table 2 PubMed ID: 23810505). This variant is reported in 0.018% of alleles in individuals of African descent in gnomAD. At this time, the clinical significance of this variant is uncertain due to the absence of conclusive functional and genetic evidence.

Ambry Genetics
Classification: Uncertain significance for Cystic fibrosis. Last evaluated: 2020-10-28. Review status: criteria provided, single submitter. Criteria: Ambry Variant Classification Scheme 2023. Collection method: clinical testing. Allele origin: germline.
Comment: The p.V1022M variant (also known as c.3064G>A), located in coding exon 19 of the CFTR gene, results from a G to A substitution at nucleotide position 3064. The valine at codon 1022 is replaced by methionine, an amino acid with highly similar properties. Although this individual was also heterozygous for p.F508del, parental testing was not performed to determine phase and a diagnosis was not confirmed due inadequate follow-up (Prach L et al. J Mol Diagn, 2013 Sep;15:710-22). This amino acid position is not well conserved in available vertebrate species. In addition, the in silico prediction for this alteration is inconclusive. Since supporting evidence is limited at this time, the clinical significance of this alteration remains unclear.

Natera, Inc.
Classification: Uncertain significance for CFTR-related disorders. Last evaluated: 2018-10-30. Review status: no assertion criteria provided. Collection method: clinical testing. Allele origin: germline. Not counted in ClinVar's aggregate classification.

Literature cited by the submitters: PubMed 23810505 (cited by Labcorp Genetics (formerly Invitae), Labcorp and Ambry Genetics).

NM_000492.4(CFTR):c.3064G>A (p.Val1022Met)

Genes: CFTR (CF transmembrane conductance regulator; plus strand), CFTR-AS2 (CFTR antisense RNA 2; minus strand), LOC111674472 (DNase I hypersensitive sites in introns 16 and 17a of CFTR; plus strand). Cytogenetic location: 7q31.2.
Variant type: single nucleotide variant.
Coding change: c.3064G>A on transcript NM_000492.4 (MANE Select); coding-DNA position 3064, G replaced by A.
Protein change: p.Val1022Met; replaces valine 1022 with methionine.
Molecular consequence: missense variant.
Genome position (GRCh38, 1-based): chr7:117,610,594, G>A. VCF-style: chr7-117610594-G-A. GRCh37 (hg19) VCF-style: chr7-117250648-G-A.
Other names: c.3064G>A (NM_000492.3); short protein forms V1022M.
Identifiers: ClinVar variation 1011536 (VCV001011536.12), dbSNP rs144441835, ClinGen allele CA4451371.
Genomic context (GRCh38, chr7:117,610,594, plus strand): 5'-ATTGGAGCTATAGCAGTTGTCGCAGTTTTACAACCCTACATCTTTGTTGCAACAGTGCCA[G>A]TGATAGTGGCTTTTATTATGTTGAGAGCATATTTCCTCCAAACCTCACAGCAACTCAAAC-3'
Protein context (NP_000483.3, residues 1012-1032): QPYIFVATVP[Val1022Met]IVAFIMLRAY